The following is an entry in ClinVar:

NM_000138.5(FBN1):c.5294T>G (p.Val1765Gly)

Gene: FBN1 (fibrillin 1; minus strand). Cytogenetic location: 15q21.1.
Variant type: single nucleotide variant.
Coding change: c.5294T>G on transcript NM_000138.5 (MANE Select); coding-DNA position 5294, T replaced by G.
Protein change: p.Val1765Gly; replaces valine 1765 with glycine.
Molecular consequence: missense variant.
Genome position (GRCh38, 1-based): chr15:48,460,248, A>C on the plus strand (T>G on the coding strand, the complement: FBN1 is on the minus strand). VCF-style: chr15-48460248-A-C. GRCh37 (hg19) VCF-style: chr15-48752445-A-C.
Other names: short protein forms V1765G.
Identifiers: ClinVar variation 1302044 (VCV001302044.4), dbSNP rs2141263957, ClinGen allele CA392347954.
Genomic context (GRCh38, chr15:48,460,248, plus strand): 5'-ATAATGCTAACACAAAGGCAAAAAACCAGAAAGTTCTGACAATGCCGTCATGACTCACCA[A>C]CGGGTAAACCGGTATAAATGTCGATGACAAAGCCTGGCCTTTGACTTCCACAGAGTGTAG-3'
Protein context (NP_000129.3, residues 1755-1775): FVIDIYTGLP[Val1765Gly]DIDECREIPG

ClinVar aggregate classification (germline): Uncertain significance. Review status: criteria provided, multiple submitters, no conflicts (2 of 4 stars). 2 submissions from 2 submitters: Uncertain significance (2). Last evaluated 2024-05-25.

Conditions:
Marfan syndrome (MFS). Also called: Marfan syndrome type 1; Marfan's syndrome; FBN1-Related Marfan Syndrome; MARFAN SYNDROME, TYPE I; Marfan syndrome, classic. Identifiers: Orphanet 284963, Orphanet 558, MedGen C0024796, MONDO:0007947, OMIM 154700.
Familial thoracic aortic aneurysm and aortic dissection (TAAD). Also called: Thoracic aortic aneurysms and dissections. Identifiers: Orphanet 91387, MedGen C4707243, MONDO:0019625.

Submissions (2):

Labcorp Genetics (formerly Invitae), Labcorp
Classification: Uncertain significance for Marfan syndrome; Familial thoracic aortic aneurysm and aortic dissection. Last evaluated: 2024-05-25. Review status: criteria provided, single submitter. Criteria: Invitae Variant Classification Sherloc (09022015). Collection method: clinical testing. Allele origin: germline.
Comment: This sequence change replaces valine, which is neutral and non-polar, with glycine, which is neutral and non-polar, at codon 1765 of the FBN1 protein (p.Val1765Gly). This variant is not present in population databases (gnomAD no frequency). This variant has not been reported in the literature in individuals affected with FBN1-related conditions. ClinVar contains an entry for this variant (Variation ID: 1302044). An algorithm developed to predict the effect of missense changes on protein structure and function (PolyPhen-2) suggests that this variant is likely to be tolerated. In summary, the available evidence is currently insufficient to determine the role of this variant in disease. Therefore, it has been classified as a Variant of Uncertain Significance.

GeneDx
Classification: Uncertain significance. Last evaluated: 2019-05-02. Review status: criteria provided, single submitter. Criteria: GeneDx Variant Classification Process June 2021. Collection method: clinical testing. Allele origin: germline. Affected: yes.
Comment: Has not been previously published as pathogenic or benign to our knowledge; Not observed in large population cohorts (Lek et al., 2016); In silico analysis, which includes protein predictors and evolutionary conservation, supports a deleterious effect; Does not affect a cysteine residue within a calcium-binding EGF-like domain of the FBN1 gene; cysteine substitutions in the calcium-binding EGF-like domains represent the majority of pathogenic missense changes associated with FBN1-related disorders (Collod-Beroud et al., 2003)